The following is an entry in ClinVar:

ClinVar aggregate classification (germline): Uncertain significance. Review status: criteria provided, multiple submitters, no conflicts (2 of 4 stars). 3 submissions from 3 submitters: Uncertain significance (3). Last evaluated 2024-07-18.

Conditions:
Saldino-Mainzer syndrome (SRTD9). Also called: Renal dysplasia, retinal pigmentary dystrophy, cerebellar ataxia and skeletal dysplasia; SHORT-RIB THORACIC DYSPLASIA 9 WITHOUT POLYDACTYLY; short-rib thoracic dysplasia 9 with or without polydactyly; CONORENAL SYNDROME. Identifiers: Orphanet 140969, MedGen C1849437, MONDO:0009964, OMIM 266920.
Retinitis pigmentosa 80 (RP80). Identifiers: MedGen C4540439, MONDO:0054708, OMIM 617781.

Allele frequency attached by ClinVar (database versions not stated): gnomAD exomes 0.00001; ExAC 0.00002.
gnomAD v4.1: 11 of 1,613,618 alleles (0.00068%); highest among the groups gnomAD compares: Non-Finnish European, 0.00093%; no homozygotes.

Submissions (3):

Blueprint Genetics
Classification: Uncertain significance. Last evaluated: 2024-07-18. Review status: criteria provided, single submitter. Criteria: ACMG Guidelines, 2015. Collection method: clinical testing. Allele origin: germline.

Labcorp Genetics (formerly Invitae), Labcorp
Classification: Uncertain significance for Saldino-Mainzer syndrome. Last evaluated: 2023-11-20. Review status: criteria provided, single submitter. Criteria: Invitae Variant Classification Sherloc (09022015). Collection method: clinical testing. Allele origin: germline.
Comment: This sequence change replaces tyrosine, which is neutral and polar, with cysteine, which is neutral and slightly polar, at codon 1073 of the IFT140 protein (p.Tyr1073Cys). This variant is present in population databases (rs777230794, gnomAD 0.003%). This variant has not been reported in the literature in individuals affected with IFT140-related conditions. ClinVar contains an entry for this variant (Variation ID: 1061678). Advanced modeling of protein sequence and biophysical properties (such as structural, functional, and spatial information, amino acid conservation, physicochemical variation, residue mobility, and thermodynamic stability) has been performed at Invitae for this missense variant, however the output from this modeling did not meet the statistical confidence thresholds required to predict the impact of this variant on IFT140 protein function. In summary, the available evidence is currently insufficient to determine the role of this variant in disease. Therefore, it has been classified as a Variant of Uncertain Significance.

Fulgent Genetics
Classification: Uncertain significance for Saldino-Mainzer syndrome; Retinitis pigmentosa 80. Last evaluated: 2021-12-25. Review status: criteria provided, single submitter. Criteria: ACMG Guidelines, 2015. Collection method: clinical testing. Allele origin: unknown.

NM_014714.4(IFT140):c.3218A>G (p.Tyr1073Cys)

Gene: IFT140 (intraflagellar transport 140; minus strand). Cytogenetic location: 16p13.3.
Variant type: single nucleotide variant.
Coding change: c.3218A>G on transcript NM_014714.4 (MANE Select); coding-DNA position 3218, A replaced by G.
Protein change: p.Tyr1073Cys; replaces tyrosine 1073 with cysteine.
Molecular consequence: missense variant.
Genome position (GRCh38, 1-based): chr16:1,523,880, T>C on the plus strand (A>G on the coding strand, the complement: IFT140 is on the minus strand). VCF-style: chr16-1523880-T-C. GRCh37 (hg19) VCF-style: chr16-1573881-T-C.
Other names: short protein forms Y1073C.
Identifiers: ClinVar variation 1061678 (VCV001061678.7), dbSNP rs777230794, ClinGen allele CA7813254.